The following is an entry in ClinVar:

NM_001278116.2(L1CAM):c.2239del (p.Gln747fs)

Gene: L1CAM (L1 cell adhesion molecule; minus strand). Cytogenetic location: Xq28.
Variant type: Deletion.
Coding change: c.2239del on transcript NM_001278116.2 (MANE Select); coding-DNA position 2239, one base deleted (C; older notation c.2239delC).
Protein change: p.Gln747fs; shifts the reading frame from glutamine 747.
Molecular consequence: frameshift variant.
Genome position (GRCh38, 1-based): chrX:153,866,841, G deleted on the plus strand (C on the coding strand, the reverse complement: L1CAM is on the minus strand); the first of 6 consecutive G bases (chrX:153,866,841-153,866,846); deleting any one gives the same sequence. VCF-style (leftmost placement, unchanged base first): chrX-153866840-TG-T. GRCh37 (hg19) VCF-style: chrX-153132295-TG-T.
Other names: c.2239del, p.Gln747fs (NM_000425.5, NM_024003.3); c.2224del, p.Gln742fs (NM_001143963.2); short protein forms Q742fs, Q747fs.
Identifiers: ClinVar variation 3360409 (VCV003360409.2).

ClinVar aggregate classification (germline): Pathogenic (1 of 4 stars; one submission).

Submission:

GeneDx
Classification: Pathogenic. Last evaluated: 2026-01-07. Review status: criteria provided, single submitter. Criteria: GeneDx Variant Classification Process June 2021. Collection method: clinical testing. Allele origin: germline.
Comment: Frameshift variant predicted to result in protein truncation or nonsense mediated decay in a gene for which loss of function is a known mechanism of disease; Not observed at significant frequency in large population cohorts (gnomAD); Has not been previously published as pathogenic or benign to our knowledge